The following is an entry in ClinVar:

ClinVar aggregate classification (germline): Conflicting classifications of pathogenicity. Review status: criteria provided, conflicting classifications (1 of 4 stars). 10 submissions from 10 submitters: Uncertain significance (1); Benign (2); Likely benign (4). 3 of the submissions do not count toward it. Last evaluated 2026-08-01.

Conditions:
Inborn genetic diseases. Identifiers: MedGen C0950123, MeSH D030342.
Hypermethioninemia with deficiency of S-adenosylhomocysteine hydrolase. Identifiers: Orphanet 88618, MedGen C3151058, MONDO:0013404, OMIM 613752.

Allele frequency attached by ClinVar (database versions not stated): ESP Exome Variant Server 0.00331; gnomAD exomes 0.00336 and 0.00477; ExAC 0.00381; TOPMed 0.00227; 1000 Genomes Project 0.00260; 1000 Genomes Project 30x 0.00265; gnomAD 0.00326 and 0.00327.

Submissions (10):

CeGaT Center for Human Genetics Tuebingen
Classification: Likely benign. Last evaluated: 2026-08-01. Review status: criteria provided, single submitter. Criteria: CeGaT Center For Human Genetics Tuebingen Variant Classification Criteria Version 2. Collection method: clinical testing. Allele origin: germline. Affected: yes. Observed: 2 variant alleles.
Comment: AHCY: BS2

Labcorp Genetics (formerly Invitae), Labcorp
Classification: Benign for Hypermethioninemia with deficiency of S-adenosylhomocysteine hydrolase. Last evaluated: 2026-01-20. Review status: criteria provided, single submitter. Criteria: Invitae Variant Classification Sherloc (09022015). Collection method: clinical testing. Allele origin: germline.

Blueprint Genetics
Classification: Likely benign. Last evaluated: 2024-10-22. Review status: criteria provided, single submitter. Criteria: ACMG Guidelines, 2015. Collection method: clinical testing. Allele origin: germline.

ARUP Laboratories, Molecular Genetics and Genomics, ARUP Laboratories
Classification: Likely benign for Hypermethioninemia with deficiency of S-adenosylhomocysteine hydrolase. Last evaluated: 2024-10-18. Review status: criteria provided, single submitter. Criteria: ARUP Molecular Germline Variant Investigation Process 2024. Collection method: clinical testing. Allele origin: germline.

Ambry Genetics
Classification: Likely benign for Inborn genetic diseases. Last evaluated: 2022-07-04. Review status: criteria provided, single submitter. Criteria: Ambry Variant Classification Scheme 2023. Collection method: clinical testing. Allele origin: germline.

Illumina Laboratory Services, Illumina
Classification: Benign for Hypermethioninemia with deficiency of S-adenosylhomocysteine hydrolase. Last evaluated: 2017-04-27. Review status: criteria provided, single submitter. Criteria: ICSL Variant Classification Criteria 13 December 2019. Collection method: clinical testing. Allele origin: germline.
Comment: This variant was observed as part of a predisposition screen in an ostensibly healthy population. A literature search was performed for the gene, cDNA change, and amino acid change (where applicable). No publications were found based on this search. Allele frequency data from public databases was too high to be consistent with this variant causing disease. Therefore, this variant is classified as benign.

Center for Pediatric Genomic Medicine, Children's Mercy Hospital and Clinics
Classification: Uncertain significance. Last evaluated: 2016-04-29. Review status: criteria provided, single submitter. Criteria: ACMG Guidelines, 2015. Collection method: clinical testing. Allele origin: germline.
ClinVar note: Converted during submission from Uncertain Significance to Uncertain significance.

Clinical Genetics DNA and cytogenetics Diagnostics Lab, Erasmus MC, Erasmus Medical Center
Classification: Likely benign. Review status: no assertion criteria provided. Collection method: clinical testing. Allele origin: germline. Affected: yes. Study: VKGL Data-share Consensus. Not counted in ClinVar's aggregate classification.

Diagnostic Laboratory, Department of Genetics, University Medical Center Groningen
Classification: Likely benign. Review status: no assertion criteria provided. Collection method: clinical testing. Allele origin: germline. Affected: yes. Study: VKGL Data-share Consensus. Not counted in ClinVar's aggregate classification.

Laboratory of Diagnostic Genome Analysis, Leiden University Medical Center (LUMC)
Classification: Likely benign. Review status: no assertion criteria provided. Collection method: clinical testing. Allele origin: germline. Affected: yes. Study: VKGL Data-share Consensus. Not counted in ClinVar's aggregate classification.

NM_000687.4(AHCY):c.274A>G (p.Ile92Val)

Gene: AHCY (adenosylhomocysteinase; minus strand). Cytogenetic location: 20q11.22.
Variant type: single nucleotide variant.
Coding change: c.274A>G on transcript NM_000687.4 (MANE Select); coding-DNA position 274, A replaced by G.
Protein change: p.Ile92Val; replaces isoleucine 92 with valine.
Molecular consequence: missense variant.
Genome position (GRCh38, 1-based): chr20:34,294,102, T>C on the plus strand (A>G on the coding strand, the complement: AHCY is on the minus strand). VCF-style: chr20-34294102-T-C. GRCh37 (hg19) VCF-style: chr20-32881908-T-C.
Other names: c.190A>G, p.Ile64Val (NM_001161766.2, NM_001322084.2, NM_001322085.2); c.280A>G, p.Ile94Val (NM_001322086.2); c.274A>G, p.Ile92Val (NM_001362750.2); short protein forms I64V, I94V, I92V.
Identifiers: ClinVar variation 235584 (VCV000235584.26), dbSNP rs11552695, ClinGen allele CA9821062.